The following is an entry in ClinVar:

ClinVar aggregate classification (germline): Pathogenic (1 of 4 stars; one submission).

Submission:

Labcorp Genetics (formerly Invitae), Labcorp
Classification: Pathogenic. Last evaluated: 2023-06-09. Review status: criteria provided, single submitter. Criteria: Invitae Variant Classification Sherloc (09022015). Collection method: clinical testing. Allele origin: germline.
Comment: For these reasons, this variant has been classified as Pathogenic. This variant has not been reported in the literature in individuals affected with COL4A5-related conditions. This variant is not present in population databases (gnomAD no frequency). This sequence change creates a premature translational stop signal (p.Pro830Leufs*4) in the COL4A5 gene. It is expected to result in an absent or disrupted protein product. Loss-of-function variants in COL4A5 are known to be pathogenic (PMID: 9195222, 10752524, 14514738, 24854265, 26809805).

Literature cited by the submitters: PubMed 9195222; PubMed 10752524; PubMed 14514738; PubMed 24854265; PubMed 26809805.

NM_033380.3(COL4A5):c.2489del (p.Pro830fs)

Gene: COL4A5 (collagen type IV alpha 5 chain; plus strand). Cytogenetic location: Xq22.3.
Variant type: Deletion.
Coding change: c.2489del on transcript NM_033380.3 (MANE Select); coding-DNA position 2489, one base deleted (C; older notation c.2489delC).
Protein change: p.Pro830fs; shifts the reading frame from proline 830.
Molecular consequence: frameshift variant.
Genome position (GRCh38, 1-based): chrX:108,615,004, C deleted; the last of 2 consecutive C bases (chrX:108,615,003-108,615,004); deleting either gives the same sequence. VCF-style (leftmost placement, unchanged base first): chrX-108615002-TC-T. GRCh37 (hg19) VCF-style: chrX-107858232-TC-T.
Other names: c.2489del, p.Pro830fs (NM_000495.5); short protein forms P830fs.
Identifiers: ClinVar variation 2700493 (VCV002700493.3), dbSNP rs2524375862, ClinGen allele CA2697544731.